The following is an entry in ClinVar:

NM_000545.8(HNF1A):c.1822_1829del (p.Ser608fs)

Genes: C12orf43 (chromosome 12 open reading frame 43; minus strand), HNF1A (HNF1 homeobox A; plus strand). Cytogenetic location: 12q24.31.
Variant type: Deletion.
Coding change: c.1822_1829del on transcript NM_000545.8 (MANE Select); coding-DNA positions 1822 to 1829, 8 bases deleted (AGCCACCT; older notation c.1822_1829delAGCCACCT).
Protein change: p.Ser608fs; shifts the reading frame from serine 608.
Molecular consequence: frameshift variant. On other transcripts: 3 prime UTR variant (3).
Genome position (GRCh38, 1-based): chr12:121,001,118-121,001,125, AGCCACCT deleted. VCF-style (leftmost placement, unchanged base first): chr12-121001117-GAGCCACCT-G. GRCh37 (hg19) VCF-style: chr12-121438920-GAGCCACCT-G.
Other names: c.1822_1829delAGCCACCT (NM_000545.6); c.*3028_*3035del (NM_001286191.2, NM_001286196.2, NM_022895.3); c.1843_1850del, p.Ser615fs (NM_001306179.2); c.1630_1637del, p.Ser544fs (NM_001406915.1); short protein forms S615fs, S608fs, S544fs.
Identifiers: ClinVar variation 522535 (VCV000522535.3), dbSNP rs1555212749, ClinGen allele CA658797970.
Genomic context (GRCh38, chr12:121,001,117, plus strand): 5'-CTCTGCAGTGTCCTCCAGCAGCCTGGTGCTGTACCAGAGCTCAGACTCCAGCAATGGCCA[GAGCCACCT>G]GCTGCCATCCAACCACAGCGTCATCGAGACCTTCATCTCCACCCAGATGGCCTCTTCCTC-3'

ClinVar aggregate classification (germline): Likely pathogenic. Review status: criteria provided, single submitter (1 of 4 stars). 2 submissions from 2 submitters: Likely pathogenic (1). 1 of the submissions does not count toward it.

Conditions:
Maturity-onset diabetes of the young (MODY). Also called: Maturity onset diabetes mellitus in young. Identifiers: Orphanet 552, MedGen C0342276, MONDO:0018911, HP:0004904.
Maturity-onset diabetes of the young type 3. Also called: MODY type 3; MODY, type III. Identifiers: Orphanet 552, MedGen C1838100, MeSH C563933, MONDO:0010894, OMIM 600496. Disease mechanism: loss of function.

Submissions (2):

Clinical Genomics, Uppaluri K&H Personalized Medicine Clinic
Classification: Likely pathogenic for Maturity-onset diabetes of the young. Review status: criteria provided, single submitter. Criteria: K & H Uppaluri Personalized Medicine Clinic Variant Classification & Assertion Criteria_Updated V.1. Collection method: research. Allele origin: unknown. Inheritance: Autosomal dominant inheritance.
Comment: Mutations in HNF1A gene can predispose to MODY3. It is associated with both micro and macrovascular complications of diabetes, especially cardiovascular complications. Associated with glucosuria. May respond well to sulfonylureas. However, more evidence is required to confer the association of this particular variant rs1555212749 with MODY3.

Bioscientia Institut fuer Medizinische Diagnostik GmbH, Sonic Healthcare
Classification: Likely pathogenic for Maturity-onset diabetes of the young type 3. Last evaluated: 2017-11-20. Review status: no assertion criteria provided. Collection method: clinical testing. Allele origin: germline. Affected: yes. Not counted in ClinVar's aggregate classification.

Literature cited by the submitters: PubMed 31517624 (cited by Clinical Genomics, Uppaluri K&H Personalized Medicine Clinic); PubMed 32395877 (cited by Clinical Genomics, Uppaluri K&H Personalized Medicine Clinic); PubMed 35328643 (cited by Clinical Genomics, Uppaluri K&H Personalized Medicine Clinic); PubMed 35673428 (cited by Clinical Genomics, Uppaluri K&H Personalized Medicine Clinic).